The following is an entry in ClinVar:

NM_006662.3(SRCAP):c.6355C>T (p.Arg2119Trp)

Gene: SRCAP (Snf2 related CREBBP activator protein; plus strand). Cytogenetic location: 16p11.2.
Variant type: single nucleotide variant.
Coding change: c.6355C>T on transcript NM_006662.3 (MANE Select); coding-DNA position 6355, C replaced by T.
Protein change: p.Arg2119Trp; replaces arginine 2119 with tryptophan.
Molecular consequence: missense variant.
Genome position (GRCh38, 1-based): chr16:30,733,659, C>T. VCF-style: chr16-30733659-C-T. GRCh37 (hg19) VCF-style: chr16-30744980-C-T.
Other names: short protein forms R2119W.
Identifiers: ClinVar variation 2429672 (VCV002429672.1), dbSNP rs747771690, ClinGen allele CA8012216.

ClinVar aggregate classification (germline): Uncertain significance (1 of 4 stars; one submission).

Allele frequency attached by ClinVar (database versions not stated): ExAC 0.00001.

Submission:

GeneDx
Classification: Uncertain significance. Last evaluated: 2022-08-11. Review status: criteria provided, single submitter. Criteria: GeneDx Variant Classification Process June 2021. Collection method: clinical testing. Allele origin: germline. Affected: yes.
Comment: Not observed at significant frequency in large population cohorts (gnomAD); In silico analysis supports that this missense variant has a deleterious effect on protein structure/function; Has not been previously published as pathogenic or benign to our knowledge